The following is an entry in ClinVar:

ClinVar aggregate classification (germline): Pathogenic. Review status: criteria provided, multiple submitters, no conflicts (2 of 4 stars). 2 submissions from 2 submitters: Pathogenic (2). Last evaluated 2026-05-26.

Conditions:
Hereditary cancer-predisposing syndrome. Also called: Tumor predisposition; Hereditary neoplastic syndrome; Neoplastic Syndromes, Hereditary; Hereditary Cancer Syndrome. Identifiers: Orphanet 140162, MedGen C0027672, MeSH D009386, MONDO:0015356.
Cardiovascular phenotype. Identifiers: MedGen CN230736.
Neurofibromatosis, type 1 (NF1). Also called: Neurofibromatosis, type I; Peripheral type neurofibromatosis; VON RECKLINGHAUSEN DISEASE; NEUROFIBROMATOSIS, TYPE I, SOMATIC. Identifiers: Orphanet 636, MedGen C0027831, MONDO:0018975, OMIM 162200. Disease mechanism: loss of function.

Submissions (2):

Ambry Genetics
Classification: Pathogenic for Cardiovascular phenotype; Hereditary cancer-predisposing syndrome. Last evaluated: 2026-05-26. Review status: criteria provided, single submitter. Criteria: Ambry Variant Classification Scheme 2023. Collection method: clinical testing. Allele origin: germline.
Comment: The c.6521dupA pathogenic mutation, located in coding exon 42 of the NF1 gene, results from a duplication of A at nucleotide position 6521, causing a translational frameshift with a predicted alternate stop codon (p.T2175Dfs*46). This variant was reported in individual(s) with features consistent with neurofibromatosis type 1 (Ambry internal data). This variant is considered to be rare based on population cohorts in the Genome Aggregation Database (gnomAD). This variant is expected to result in loss of function by premature protein truncation or nonsense-mediated mRNA decay. As such, this variant is interpreted as a disease-causing mutation.

Labcorp Genetics (formerly Invitae), Labcorp
Classification: Pathogenic for Neurofibromatosis, type 1. Last evaluated: 2022-11-20. Review status: criteria provided, single submitter. Criteria: Invitae Variant Classification Sherloc (09022015). Collection method: clinical testing. Allele origin: germline.
Comment: For these reasons, this variant has been classified as Pathogenic. This variant has not been reported in the literature in individuals affected with NF1-related conditions. This variant is not present in population databases (gnomAD no frequency). This sequence change creates a premature translational stop signal (p.Thr2175Aspfs*46) in the NF1 gene. It is expected to result in an absent or disrupted protein product. Loss-of-function variants in NF1 are known to be pathogenic (PMID: 10712197, 23913538).

Literature cited by the submitters: PubMed 10712197 (cited by Labcorp Genetics (formerly Invitae), Labcorp); PubMed 23913538 (cited by Labcorp Genetics (formerly Invitae), Labcorp).

NM_001042492.3(NF1):c.6584dup (p.Thr2196fs)

Gene: NF1 (neurofibromin 1; plus strand). Cytogenetic location: 17q11.2.
Variant type: Duplication.
Coding change: c.6584dup on transcript NM_001042492.3 (MANE Select); coding-DNA position 6584, one base duplicated (A; older notation c.6584dupA).
Protein change: p.Thr2196fs; shifts the reading frame from threonine 2196.
Molecular consequence: frameshift variant.
Genome position (GRCh38, 1-based): chr17:31,337,524, A duplicated. VCF-style (leftmost placement, unchanged base first): chr17-31337523-G-GA. GRCh37 (hg19) VCF-style: chr17-29664541-G-GA.
Other names: c.6521dup, p.Thr2175Aspfs (NM_000267.4); c.6521dupA (NM_000267.3); short protein forms T2175fs, T2196fs.
Identifiers: ClinVar variation 2815549 (VCV002815549.4), dbSNP rs2508754209, ClinGen allele CA2739267424.